The following is an entry in ClinVar:

NM_001199138.2(NLRC4):c.1624G>A (p.Glu542Lys)

Gene: NLRC4 (NLR family CARD domain containing 4; minus strand). Cytogenetic location: 2p22.3.
Variant type: single nucleotide variant.
Coding change: c.1624G>A on transcript NM_001199138.2 (MANE Select); coding-DNA position 1624, G replaced by A.
Protein change: p.Glu542Lys; replaces glutamic acid 542 with lysine.
Molecular consequence: missense variant. On other transcripts: intron variant (1).
Genome position (GRCh38, 1-based): chr2:32,250,240, C>T on the plus strand (G>A on the coding strand, the complement: NLRC4 is on the minus strand). VCF-style: chr2-32250240-C-T. GRCh37 (hg19) VCF-style: chr2-32475309-C-T.
Other names: c.1624G>A, p.Glu542Lys (NM_021209.5, NM_001199139.2); c.262+2179G>A (NM_001302504.1); short protein forms E542K.
Identifiers: ClinVar variation 1039274 (VCV001039274.14), dbSNP rs760757972, ClinGen allele CA1601958.

ClinVar aggregate classification (germline): Uncertain significance. Review status: criteria provided, multiple submitters, no conflicts (2 of 4 stars). 4 submissions from 4 submitters: Uncertain significance (4). Last evaluated 2025-10-08.

Conditions:
Inborn genetic diseases. Identifiers: MedGen C0950123, MeSH D030342.
Familial cold autoinflammatory syndrome 4 (FCAS4). Identifiers: Orphanet 47045, Orphanet 576349, MedGen C4015276, MONDO:0014498, OMIM 616115.
Periodic fever-infantile enterocolitis-autoinflammatory syndrome. Also called: Autoinflammation with infantile enterocolitis. Identifiers: Orphanet 436166, MedGen C4015067, MONDO:0014472, OMIM 616050.
Autoinflammatory syndrome. Identifiers: Orphanet 93665, MedGen C3890737, MONDO:0019751.

Allele frequency attached by ClinVar (database versions not stated): ExAC 0.00001; gnomAD exomes 0.00001 and below 0.00001; TOPMed 0.00002.
gnomAD v4.1: 12 of 1,614,176 alleles (0.00074%); highest among the groups gnomAD compares: African/African-American, 0.0093%; no homozygotes.

Submissions (4):

Labcorp Genetics (formerly Invitae), Labcorp
Classification: Uncertain significance for Periodic fever-infantile enterocolitis-autoinflammatory syndrome; Familial cold autoinflammatory syndrome 4. Last evaluated: 2025-10-08. Review status: criteria provided, single submitter. Criteria: Invitae Variant Classification Sherloc (09022015). Collection method: clinical testing. Allele origin: germline.
Comment: This sequence change replaces glutamic acid, which is acidic and polar, with lysine, which is basic and polar, at codon 542 of the NLRC4 protein (p.Glu542Lys). This variant is present in population databases (rs760757972, gnomAD 0.007%). This variant has not been reported in the literature in individuals affected with NLRC4-related conditions. ClinVar contains an entry for this variant (Variation ID: 1039274). Invitae Evidence Modeling of protein sequence and biophysical properties (such as structural, functional, and spatial information, amino acid conservation, physicochemical variation, residue mobility, and thermodynamic stability) indicates that this missense variant is expected to disrupt NLRC4 protein function with a positive predictive value of 80%. In summary, the available evidence is currently insufficient to determine the role of this variant in disease. Therefore, it has been classified as a Variant of Uncertain Significance.

Blueprint Genetics
Classification: Uncertain significance. Last evaluated: 2023-11-01. Review status: criteria provided, single submitter. Criteria: ACMG Guidelines, 2015. Collection method: clinical testing. Allele origin: germline.

Ambry Genetics
Classification: Uncertain significance for Inborn genetic diseases. Last evaluated: 2023-07-25. Review status: criteria provided, single submitter. Criteria: Ambry Variant Classification Scheme 2023. Collection method: clinical testing. Allele origin: germline.

Genome Diagnostics Laboratory, The Hospital for Sick Children
Classification: Uncertain significance for Autoinflammatory syndrome. Last evaluated: 2017-12-01. Review status: criteria provided, single submitter. Criteria: ACMG Guidelines, 2015. Collection method: clinical testing. Allele origin: germline. Affected: yes.